The following is an entry in ClinVar:

NM_177924.5(ASAH1):c.77C>G (p.Pro26Arg)

Gene: ASAH1 (N-acylsphingosine amidohydrolase 1; minus strand). Cytogenetic location: 8p22.
Variant type: single nucleotide variant.
Coding change: c.77C>G on transcript NM_177924.5 (MANE Select); coding-DNA position 77, C replaced by G.
Protein change: p.Pro26Arg; replaces proline 26 with arginine.
Molecular consequence: missense variant. On other transcripts: intron variant (2).
Genome position (GRCh38, 1-based): chr8:18,083,982, G>C on the plus strand (C>G on the coding strand, the complement: ASAH1 is on the minus strand). VCF-style: chr8-18083982-G-C. GRCh37 (hg19) VCF-style: chr8-17941491-G-C.
Other names: c.126+694C>G (NM_004315.6, NM_001127505.3); short protein forms P26R.
Identifiers: ClinVar variation 812482 (VCV000812482.1), dbSNP rs886039750, ClinGen allele CA370435698.

ClinVar aggregate classification (germline): Pathogenic (1 of 4 stars; one submission).

Conditions:
Spinal muscular atrophy-progressive myoclonic epilepsy syndrome. Also called: Spinal muscular atrophy with progressive myoclonic epilepsy; Spinal Muscular Atrophy with Progressive Myoclonic Epilepsy (SMA-PME); MYOCLONUS, HEREDITARY, WITH PROGRESSIVE DISTAL MUSCULAR ATROPHY; Hereditary myoclonus and progressive distal muscular atrophy. Identifiers: Orphanet 2590, MedGen C1834569, MONDO:0008045, OMIM 159950.

Submission:

Medical Affairs, Dicerna Pharmaceuticals
Classification: Pathogenic for Spinal muscular atrophy-progressive myoclonic epilepsy syndrome. Last evaluated: 2019-06-19. Review status: criteria provided, single submitter. Criteria: ACMG Guidelines, 2015. Collection method: literature only. Allele origin: inherited, paternal. Inheritance: Autosomal recessive inheritance. Affected: yes. Observed: 1 variant allele.
Comment: Pathogenic clinical significance has been assigned to variant c.77C>G for the following reasons. This patient described in AME van der Beek et al., 2018, DOI: 10.1038/s41431-018-0250-z has a mild SMA-PME phenotype with progressive muscular weakness without epilepsy. This slight variation on the characteristic SMA-PME phenotype is described in multiple cases in Gene Reviews. Compound heterozygous variants were identified in the ASAH1 gene. Both variants were confirmed by Sanger sequencing. Subsequently, acid ceramidase activity was tested in leukocytes, showing deficient enzymatic activity (0.89 nmol/h/mg protein; control mean value 18.85) and strongly advocating for the diagnosis of ASAH1 related SMA (. nl/asah1 (individual # 00163649)

SMN1 sequencing did not yeild suspicious results.

Literature cited by the submitters: DOI 10.1038/s41431-018-0250-z.